The following is an entry in ClinVar:

NM_001377229.1(DISP1):c.2439T>C (p.Asp813=)

Gene: DISP1 (dispatched RND transporter family member 1; plus strand). Cytogenetic location: 1q41.
Variant type: single nucleotide variant.
Coding change: c.2439T>C on transcript NM_001377229.1 (MANE Select); coding-DNA position 2439, T replaced by C.
Protein change: p.Asp813=; no amino-acid change (aspartic acid 813 retained).
Molecular consequence: synonymous variant.
Genome position (GRCh38, 1-based): chr1:223,003,836, T>C. VCF-style: chr1-223003836-T-C. GRCh37 (hg19) VCF-style: chr1-223177178-T-C.
Other names: c.2439T>C, p.Asp813= (NM_001377228.1, NM_032890.5, NM_001369594.1); c.1710T>C, p.Asp570= (NM_001350630.2).
Identifiers: ClinVar variation 726509 (VCV000726509.14), dbSNP rs147223870, ClinGen allele CA1409247.

ClinVar aggregate classification (germline): Benign/Likely benign. Review status: criteria provided, multiple submitters, no conflicts (2 of 4 stars). 3 submissions from 3 submitters: Benign (1); Likely benign (1). 1 of the submissions does not count toward it. Last evaluated 2025-12-19.

Conditions:
DISP1-related disorder. Also called: DISP1-related condition.

Allele frequency attached by ClinVar (database versions not stated): gnomAD exomes 0.00028 and 0.00070; ExAC 0.00092; gnomAD 0.00239; TOPMed 0.00281; ESP Exome Variant Server 0.00315; 1000 Genomes Project 0.00359; 1000 Genomes Project 30x 0.00406.
gnomAD v4.1: 808 of 1,614,232 alleles (0.05%); highest among the groups gnomAD compares: African/African-American, 0.99%; 3 homozygotes.

Submissions (3):

Labcorp Genetics (formerly Invitae), Labcorp
Classification: Benign. Last evaluated: 2025-12-19. Review status: criteria provided, single submitter. Criteria: Invitae Variant Classification Sherloc (09022015). Collection method: clinical testing. Allele origin: germline.

GeneDx
Classification: Likely benign. Last evaluated: 2019-03-21. Review status: criteria provided, single submitter. Criteria: GeneDx Variant Classification Process June 2021. Collection method: clinical testing. Allele origin: germline. Affected: yes.

PreventionGenetics, part of Exact Sciences
Classification: Benign for DISP1-related condition. Last evaluated: 2019-04-18. Review status: no assertion criteria provided. Collection method: clinical testing. Allele origin: germline. Not counted in ClinVar's aggregate classification.
Comment: This variant is classified as benign based on ACMG/AMP sequence variant interpretation guidelines (Richards et al. 2015 PMID: 25741868, with internal and published modifications).